The following is an entry in ClinVar:

NM_014171.6(CRIPT):c.242-11T>A

Gene: CRIPT (CXXC repeat containing interactor of PDZ3 domain; plus strand). Cytogenetic location: 2p21.
Variant type: single nucleotide variant.
Coding change: c.242-11T>A on transcript NM_014171.6 (MANE Select); 11 bases into the intron before coding-DNA position 242, T replaced by A.
Molecular consequence: intron variant.
Genome position (GRCh38, 1-based): chr2:46,624,152, T>A. VCF-style: chr2-46624152-T-A. GRCh37 (hg19) VCF-style: chr2-46851291-T-A.
Identifiers: ClinVar variation 2056934 (VCV002056934.4), dbSNP rs2466595869, ClinGen allele CA2580066548.

ClinVar aggregate classification (germline): Uncertain significance (1 of 4 stars; one submission).

gnomAD v4.1: 10 of 1,552,370 alleles (0.00064%); highest among the groups gnomAD compares: Non-Finnish European, 0.00087%; no homozygotes.

Submission:

Labcorp Genetics (formerly Invitae), Labcorp
Classification: Uncertain significance. Last evaluated: 2022-04-11. Review status: criteria provided, single submitter. Criteria: Invitae Variant Classification Sherloc (09022015). Collection method: clinical testing. Allele origin: germline.
Comment: In summary, the available evidence is currently insufficient to determine the role of this variant in disease. Therefore, it has been classified as a Variant of Uncertain Significance. Algorithms developed to predict the effect of sequence changes on RNA splicing suggest that this variant may disrupt the consensus splice site. This variant has not been reported in the literature in individuals affected with CRIPT-related conditions. This variant is not present in population databases (gnomAD no frequency). This sequence change falls in intron 4 of the CRIPT gene. It does not directly change the encoded amino acid sequence of the CRIPT protein.